The following is an entry in ClinVar:

ClinVar aggregate classification (germline): Uncertain significance. Review status: criteria provided, multiple submitters, no conflicts (2 of 4 stars). 2 submissions from 2 submitters: Uncertain significance (2). Last evaluated 2026-09-08.

Conditions:
Hereditary cancer-predisposing syndrome. Also called: Tumor predisposition; Hereditary neoplastic syndrome; Hereditary Cancer Syndrome; Neoplastic Syndromes, Hereditary. Identifiers: Orphanet 140162, MedGen C0027672, MeSH D009386, MONDO:0015356.
DICER1-related tumor predisposition. Also called: DICER1-related pleuropulmonary blastoma cancer predisposition syndrome; DICER1 syndrome. Identifiers: Orphanet 284343, MedGen C3839822, MONDO:0100216.

Submissions (2):

Ambry Genetics
Classification: Uncertain significance for Hereditary cancer-predisposing syndrome. Last evaluated: 2026-09-08. Review status: criteria provided, single submitter. Criteria: Ambry Variant Classification Scheme 2023. Collection method: clinical testing. Allele origin: germline.
Comment: The p.P216L variant (also known as c.647C>T), located in coding exon 5 of the DICER1 gene, results from a C to T substitution at nucleotide position 647. The proline at codon 216 is replaced by leucine, an amino acid with similar properties. This amino acid position is conserved. In addition, the in silico prediction for this alteration is inconclusive. Based on the available evidence, the clinical significance of this variant remains unclear.

Labcorp Genetics (formerly Invitae), Labcorp
Classification: Uncertain significance for DICER1-related tumor predisposition. Last evaluated: 2025-01-08. Review status: criteria provided, single submitter. Criteria: Invitae Variant Classification Sherloc (09022015). Collection method: clinical testing. Allele origin: germline.
Comment: This sequence change replaces proline, which is neutral and non-polar, with leucine, which is neutral and non-polar, at codon 216 of the DICER1 protein (p.Pro216Leu). This variant is not present in population databases (gnomAD no frequency). This variant has not been reported in the literature in individuals affected with DICER1-related conditions. Invitae Evidence Modeling of protein sequence and biophysical properties (such as structural, functional, and spatial information, amino acid conservation, physicochemical variation, residue mobility, and thermodynamic stability) indicates that this missense variant is not expected to disrupt DICER1 protein function with a negative predictive value of 95%. In summary, the available evidence is currently insufficient to determine the role of this variant in disease. Therefore, it has been classified as a Variant of Uncertain Significance.

NM_177438.3(DICER1):c.647C>T (p.Pro216Leu)

Gene: DICER1 (dicer 1, ribonuclease III; minus strand). Cytogenetic location: 14q32.13.
Variant type: single nucleotide variant.
Coding change: c.647C>T on transcript NM_177438.3 (MANE Select); coding-DNA position 647, C replaced by T.
Protein change: p.Pro216Leu; replaces proline 216 with leucine.
Molecular consequence: missense variant. On other transcripts: 5 prime UTR variant (1), non-coding transcript variant (6).
Genome position (GRCh38, 1-based): chr14:95,129,559, G>A on the plus strand (C>T on the coding strand, the complement: DICER1 is on the minus strand). VCF-style: chr14-95129559-G-A. GRCh37 (hg19) VCF-style: chr14-95595896-G-A.
Other names: c.80C>T, p.Pro27Leu (NM_001395691.1); c.647C>T, p.Pro216Leu (NM_001395692.1, NM_001395693.1, NM_001395694.1 and 14 more transcripts); c.242C>T, p.Pro81Leu (NM_001395696.1, NM_001395698.1, NM_001395687.1 and 3 more transcripts); c.-922C>T (NM_001395697.1); c.365C>T, p.Pro122Leu (NM_001395686.1); short protein forms P216L, P27L, P81L, P122L.
Identifiers: ClinVar variation 3720195 (VCV003720195.3).
Genomic context (GRCh38, chr14:95,129,559, plus strand): 5'-GTTTCAGCATTACTCTTAAGAATTTTCTCTAGTTTCTGAATCTTTTCTTCCAATTCCTCT[G>A]GATCACATTTCCCATTTAAAATGGAAGCAGTTAGTCCCAAAATGCGAGGACATGATGGAC-3'
Protein context (NP_803187.1, residues 206-226): TASILNGKCD[Pro216Leu]EELEEKIQKL